The following is an entry in ClinVar:

ClinVar aggregate classification (germline): Likely pathogenic (1 of 4 stars; one submission).

Submission:

Labcorp Genetics (formerly Invitae), Labcorp
Classification: Likely pathogenic. Last evaluated: 2023-10-23. Review status: criteria provided, single submitter. Criteria: Invitae Variant Classification Sherloc (09022015). Collection method: clinical testing. Allele origin: germline.
Comment: This variant is a gross deletion of the genomic region encompassing exon(s) 22 of the PROM1 gene. This variant would be expected to be in-frame, preserving the integrity of the reading frame. A similar copy number variant has been observed in individuals with clinical features of autosomal recessive retinitis pigmentosa (Invitae). This variant disrupts a region of the PROM1 protein in which other variant(s) (p.Asp776Val) have been observed in individuals with PROM1-related conditions (PMID: 28095140; Invitae). This suggests that this is a clinically significant region of the protein, and that variants that disrupt it are likely to be disease-causing. In summary, the currently available evidence indicates that the variant is pathogenic, but additional data are needed to prove that conclusively. Therefore, this variant has been classified as Likely Pathogenic.

Literature cited by the submitters: PubMed 28095140.

NC_000004.11:g.(?_15985866)_(15986004_?)del

Gene: PROM1 (prominin 1; minus strand). Cytogenetic location: 4p15.32.
Variant type: Deletion.
Identifiers: ClinVar variation 1449266 (VCV001449266.7).